The following is an entry in ClinVar:

NM_000787.4(DBH):c.491G>A (p.Gly164Asp)

Gene: DBH (dopamine beta-hydroxylase; plus strand). Cytogenetic location: 9q34.2.
Variant type: single nucleotide variant.
Coding change: c.491G>A on transcript NM_000787.4 (MANE Select); coding-DNA position 491, G replaced by A.
Protein change: p.Gly164Asp; replaces glycine 164 with aspartic acid.
Molecular consequence: missense variant.
Genome position (GRCh38, 1-based): chr9:133,642,211, G>A. VCF-style: chr9-133642211-G-A. GRCh37 (hg19) VCF-style: chr9-136507333-G-A.
Other names: short protein forms G164D.
Identifiers: ClinVar variation 1998369 (VCV001998369.4), dbSNP rs2538340292, ClinGen allele CA375410757.

ClinVar aggregate classification (germline): Uncertain significance (1 of 4 stars; one submission).

Conditions:
Orthostatic hypotension 1 (ORTHYP1). Also called: Orthostatic hypotension 1, due to DBH deficiency; Dopamine beta-hydroxylase deficiency; NORADRENALINE DEFICIENCY; NOREPINEPHRINE DEFICIENCY. Identifiers: Orphanet 230, MedGen C4746777, MONDO:0009123, OMIM 223360.

Allele frequency attached by ClinVar (database versions not stated): gnomAD exomes 0.00001.
gnomAD v4.1: 12 of 1,613,026 alleles (0.00074%); highest among the groups gnomAD compares: Non-Finnish European, 0.001%; no homozygotes.

Submission:

Labcorp Genetics (formerly Invitae), Labcorp
Classification: Uncertain significance for Orthostatic hypotension 1. Last evaluated: 2022-01-16. Review status: criteria provided, single submitter. Criteria: Invitae Variant Classification Sherloc (09022015). Collection method: clinical testing. Allele origin: germline.
Comment: This variant is not present in population databases (gnomAD no frequency). This sequence change replaces glycine, which is neutral and non-polar, with aspartic acid, which is acidic and polar, at codon 164 of the DBH protein (p.Gly164Asp). This variant has not been reported in the literature in individuals affected with DBH-related conditions. In summary, the available evidence is currently insufficient to determine the role of this variant in disease. Therefore, it has been classified as a Variant of Uncertain Significance. Algorithms developed to predict the effect of missense changes on protein structure and function output the following: SIFT: "Tolerated"; PolyPhen-2: "Benign"; Align-GVGD: "Class C0". The aspartic acid amino acid residue is found in multiple mammalian species, which suggests that this missense change does not adversely affect protein function.